The following is an entry in ClinVar:

ClinVar aggregate classification (germline): Pathogenic (1 of 4 stars; one submission).

Conditions:
Nemaline myopathy 2 (NEM2). Also called: Nemaline myopathy 2, autosomal recessive. Identifiers: MedGen C1850569, MONDO:0009725, OMIM 256030.

Submission:

Labcorp Genetics (formerly Invitae), Labcorp
Classification: Pathogenic for Nemaline myopathy 2. Last evaluated: 2024-03-03. Review status: criteria provided, single submitter. Criteria: Invitae Variant Classification Sherloc (09022015). Collection method: clinical testing. Allele origin: germline.
Comment: This variant occurs in a region of NEB (Exons 82-105) consisting of three highly homologous 8-exon repeat units (exons 82-89, exons 90-97, exons 98-105). Sequence variants in this region can be detected, but this assay cannot determine which of the three repeat units is affected, and zygosity is often ambiguous. All variants in this region are reported relative to the exon 82-89 repeat. This sequence change creates a premature translational stop signal (p.Glu4396*) in the NEB gene. It is expected to result in an absent or disrupted protein product. Loss-of-function variants in NEB are known to be pathogenic (PMID: 25205138). The frequency data for this variant in the population databases (gnomAD) is considered unreliable due to the presence of homologous sequence, such as pseudogenes or paralogs, in the genome. This variant has not been reported in the literature in individuals affected with NEB-related conditions. ClinVar contains an entry for this variant (Variation ID: 2008629). For these reasons, this variant has been classified as Pathogenic.

Literature cited by the submitters: PubMed 25205138.

NM_001164508.2(NEB):c.13186G>T (p.Glu4396Ter)

Gene: NEB (nebulin; minus strand). Cytogenetic location: 2q23.3.
Variant type: single nucleotide variant.
Coding change: c.13186G>T on transcript NM_001164508.2 (MANE Select); coding-DNA position 13186, G replaced by T.
Protein change: p.Glu4396Ter; replaces glutamic acid 4396 with a stop codon.
Molecular consequence: nonsense. On other transcripts: intron variant (1).
Genome position (GRCh38, 1-based): chr2:151,603,646, C>A on the plus strand (G>T on the coding strand, the complement: NEB is on the minus strand). VCF-style: chr2-151603646-C-A. GRCh37 (hg19) VCF-style: chr2-152460160-C-A.
Other names: c.13186G>T, p.Glu4396Ter (NM_001164507.2, NM_001271208.2); c.11601+6163G>T (NM_004543.5); short protein forms E4396*.
Identifiers: ClinVar variation 2008629 (VCV002008629.4), dbSNP rs2552222622, ClinGen allele CA348772155.